The following is an entry in ClinVar:

NM_022893.4(BCL11A):c.559C>T (p.Gln187Ter)

Gene: BCL11A (BCL11 transcription factor A; minus strand). Cytogenetic location: 2p16.1.
Variant type: single nucleotide variant.
Coding change: c.559C>T on transcript NM_022893.4 (MANE Select); coding-DNA position 559, C replaced by T.
Protein change: p.Gln187Ter; replaces glutamine 187 with a stop codon.
Molecular consequence: nonsense. On other transcripts: non-coding transcript variant (1).
Genome position (GRCh38, 1-based): chr2:60,462,353, G>A on the plus strand (C>T on the coding strand, the complement: BCL11A is on the minus strand). VCF-style: chr2-60462353-G-A. GRCh37 (hg19) VCF-style: chr2-60689488-G-A.
Other names: c.457C>T, p.Gln153Ter (NM_001363864.1, NM_001365609.1, NM_001405719.1 and 3 more transcripts); c.559C>T, p.Gln187Ter (NM_001405708.1, NM_001405709.1, NM_001405710.1 and 4 more transcripts); c.226C>T, p.Gln76Ter (NM_001405720.1, NM_001405721.1); c.403C>T, p.Gln135Ter (NM_001405722.1, NM_001405723.1, NM_001405713.1 and 6 more transcripts); c.301C>T, p.Gln101Ter (NM_001405724.1, NM_001405717.1, NM_001405718.1 and 1 more transcripts); c.103C>T, p.Gln35Ter (NM_001405725.1, NM_001405726.1, NM_001405727.1 and 2 more transcripts); short protein forms Q101*, Q135*, Q153*, Q187*, Q35*, Q76*.
Identifiers: ClinVar variation 5016807 (VCV005016807.1).

ClinVar aggregate classification (germline): Pathogenic (1 of 4 stars; one submission).

Submission:

GeneDx
Classification: Pathogenic. Last evaluated: 2026-04-10. Review status: criteria provided, single submitter. Criteria: GeneDx Variant Classification Process June 2021. Collection method: clinical testing. Allele origin: germline.
Comment: Nonsense variant predicted to result in protein truncation, as the last 649 amino acid(s) are lost, and other loss-of-function variants have been reported downstream in HGMD; Not observed at significant frequency in large population cohorts (gnomAD); Has not been previously published as pathogenic or benign to our knowledge